The following is an entry in ClinVar:

NM_001253697.2(ERBIN):c.2987A>G (p.Gln996Arg)

Gene: ERBIN (erbb2 interacting protein; plus strand). Cytogenetic location: 5q12.3.
Variant type: single nucleotide variant.
Coding change: c.2987A>G on transcript NM_001253697.2 (MANE Select); coding-DNA position 2987, A replaced by G.
Protein change: p.Gln996Arg; replaces glutamine 996 with arginine.
Molecular consequence: missense variant.
Genome position (GRCh38, 1-based): chr5:66,054,305, A>G. VCF-style: chr5-66054305-A-G. GRCh37 (hg19) VCF-style: chr5-65350133-A-G.
Other names: c.2987A>G, p.Gln996Arg (NM_001253698.2, NM_001253699.2, NM_018695.4 and 1 more transcripts); c.2975A>G, p.Gln992Arg (NM_001253701.2); short protein forms Q992R, Q996R.
Identifiers: ClinVar variation 4767863 (VCV004767863.1).

ClinVar aggregate classification (germline): Uncertain significance (1 of 4 stars; one submission).

gnomAD v4.1: 1 of 1,614,184 alleles (0.000062%); highest among the groups gnomAD compares: Non-Finnish European, 0.000085%; no homozygotes.

Submission:

Labcorp Genetics (formerly Invitae), Labcorp
Classification: Uncertain significance. Last evaluated: 2025-03-24. Review status: criteria provided, single submitter. Criteria: Invitae Variant Classification Sherloc (09022015). Collection method: clinical testing. Allele origin: germline.
Comment: This sequence change replaces glutamine, which is neutral and polar, with arginine, which is basic and polar, at codon 996 of the ERBIN protein (p.Gln996Arg). This variant is present in population databases (no rsID available, gnomAD 0.0009%). This variant has not been reported in the literature in individuals affected with ERBIN-related conditions. An algorithm developed to predict the effect of missense changes on protein structure and function (PolyPhen-2) suggests that this variant is likely to be disruptive. In summary, the available evidence is currently insufficient to determine the role of this variant in disease. Therefore, it has been classified as a Variant of Uncertain Significance.